The following is an entry in ClinVar:

NM_001130438.3(SPTAN1):c.7088A>G (p.Asp2363Gly)

Gene: SPTAN1 (spectrin alpha, non-erythrocytic 1; plus strand). Cytogenetic location: 9q34.11.
Variant type: single nucleotide variant.
Coding change: c.7088A>G on transcript NM_001130438.3 (MANE Select); coding-DNA position 7088, A replaced by G.
Protein change: p.Asp2363Gly; replaces aspartic acid 2363 with glycine.
Molecular consequence: missense variant.
Genome position (GRCh38, 1-based): chr9:128,632,646, A>G. VCF-style: chr9-128632646-A-G. GRCh37 (hg19) VCF-style: chr9-131394925-A-G.
Other names: c.7013A>G, p.Asp2338Gly (NM_001195532.2); c.7151A>G, p.Asp2384Gly (NM_001363759.2); c.7028A>G, p.Asp2343Gly (NM_001363765.2, NM_001375314.2); c.7175A>G, p.Asp2392Gly (NM_001375310.1); c.7088A>G, p.Asp2363Gly (NM_001375311.2); c.7124A>G, p.Asp2375Gly (NM_001375312.2); c.7070A>G, p.Asp2357Gly (NM_001375313.1); c.7187A>G, p.Asp2396Gly (NM_001375318.1); and 1 more; short protein forms D2338G, D2396G, D2375G, D2357G, D2392G, D2343G, D2358G, D2363G.
Identifiers: ClinVar variation 1044144 (VCV001044144.10), dbSNP rs1256953654, ClinGen allele CA375100679.

ClinVar aggregate classification (germline): Uncertain significance. Review status: criteria provided, multiple submitters, no conflicts (2 of 4 stars). 2 submissions from 2 submitters: Uncertain significance (2). Last evaluated 2024-04-09.

Conditions:
Early-infantile DEE. Also called: Early infantile epileptic encephalopathy with suppression bursts; Ohtahara syndrome; Early infantile epileptic encephalopathy. Identifiers: Orphanet 1934, MedGen C0393706, MONDO:0800491.

Allele frequency attached by ClinVar (database versions not stated): gnomAD exomes below 0.00001; TOPMed below 0.00001; gnomAD 0.00001.
gnomAD v4.1: 7 of 1,613,894 alleles (0.00043%); highest among the groups gnomAD compares: Non-Finnish European, 0.00059%; no homozygotes.

Submissions (2):

Blueprint Genetics
Classification: Uncertain significance. Last evaluated: 2024-04-09. Review status: criteria provided, single submitter. Criteria: ACMG Guidelines, 2015. Collection method: clinical testing. Allele origin: germline.

Labcorp Genetics (formerly Invitae), Labcorp
Classification: Uncertain significance for Early-infantile DEE. Last evaluated: 2020-03-10. Review status: criteria provided, single submitter. Criteria: Invitae Variant Classification Sherloc (09022015). Collection method: clinical testing. Allele origin: germline.
Comment: This sequence change replaces aspartic acid with glycine at codon 2363 of the SPTAN1 protein (p.Asp2363Gly). The aspartic acid residue is highly conserved and there is a moderate physicochemical difference between aspartic acid and glycine. In summary, the available evidence is currently insufficient to determine the role of this variant in disease. Therefore, it has been classified as a Variant of Uncertain Significance. Algorithms developed to predict the effect of missense changes on protein structure and function are either unavailable or do not agree on the potential impact of this missense change (SIFT: "Deleterious"; PolyPhen-2: "Benign"; Align-GVGD: "Class C65"). This variant has not been reported in the literature in individuals with SPTAN1-related conditions. This variant is not present in population databases (ExAC no frequency).